The following is an entry in ClinVar:

NM_000660.7(TGFB1):c.268G>T (p.Gly90Trp)

Genes: TGFB1 (transforming growth factor beta 1; minus strand), LOC130064510 (ATAC-STARR-seq lymphoblastoid silent region 10661; plus strand). Cytogenetic location: 19q13.2.
Variant type: single nucleotide variant.
Coding change: c.268G>T on transcript NM_000660.7 (MANE Select); coding-DNA position 268, G replaced by T.
Protein change: p.Gly90Trp; replaces glycine 90 with tryptophan.
Molecular consequence: missense variant.
Genome position (GRCh38, 1-based): chr19:41,352,777, C>A on the plus strand (G>T on the coding strand, the complement: TGFB1 is on the minus strand). VCF-style: chr19-41352777-C-A. GRCh37 (hg19) VCF-style: chr19-41858682-C-A.
Other names: short protein forms G90W.
Identifiers: ClinVar variation 3710279 (VCV003710279.2).

ClinVar aggregate classification (germline): Uncertain significance (1 of 4 stars; one submission).

Submission:

Labcorp Genetics (formerly Invitae), Labcorp
Classification: Uncertain significance. Last evaluated: 2024-11-07. Review status: criteria provided, single submitter. Criteria: Invitae Variant Classification Sherloc (09022015). Collection method: clinical testing. Allele origin: germline.
Comment: This sequence change replaces glycine, which is neutral and non-polar, with tryptophan, which is neutral and slightly polar, at codon 90 of the TGFB1 protein (p.Gly90Trp). This variant is not present in population databases (gnomAD no frequency). This variant has not been reported in the literature in individuals affected with TGFB1-related conditions. Invitae Evidence Modeling of protein sequence and biophysical properties (such as structural, functional, and spatial information, amino acid conservation, physicochemical variation, residue mobility, and thermodynamic stability) indicates that this missense variant is not expected to disrupt TGFB1 protein function with a negative predictive value of 80%. In summary, the available evidence is currently insufficient to determine the role of this variant in disease. Therefore, it has been classified as a Variant of Uncertain Significance.